The following is an entry in ClinVar:

NM_007078.3(LDB3):c.94-119G>C

Gene: LDB3 (LIM domain binding 3; plus strand). Cytogenetic location: 10q23.2.
Variant type: single nucleotide variant.
Coding change: c.94-119G>C on transcript NM_007078.3 (MANE Select); 119 bases into the intron before coding-DNA position 94, G replaced by C.
Molecular consequence: intron variant.
Genome position (GRCh38, 1-based): chr10:86,679,248, G>C. VCF-style: chr10-86679248-G-C. GRCh37 (hg19) VCF-style: chr10-88439005-G-C.
Other names: c.94-119G>C (NM_001368064.1, NM_001368063.1, NM_001368068.1 and 8 more transcripts).
Identifiers: ClinVar variation 675987 (VCV000675987.2), dbSNP rs4468255, ClinGen allele CA211209045.

ClinVar aggregate classification (germline): Likely benign. Review status: criteria provided, multiple submitters, no conflicts (2 of 4 stars). 2 submissions from 2 submitters: Likely benign (2). Last evaluated 2018-06-19.

Allele frequency attached by ClinVar (database versions not stated): 1000 Genomes Project 30x 0.00437; 1000 Genomes Project 0.00439.
gnomAD v4.1: 1,167 of 1,262,096 alleles (0.092%); highest among the groups gnomAD compares: African/African-American, 1.5%; 10 homozygotes.

Submissions (2):

GeneDx
Classification: Likely benign. Last evaluated: 2018-06-19. Review status: criteria provided, single submitter. Criteria: GeneDx Variant Classification (06012015). Collection method: clinical testing. Allele origin: germline. Affected: yes.
Comment: This variant is considered likely benign or benign based on one or more of the following criteria: it is a conservative change, it occurs at a poorly conserved position in the protein, it is predicted to be benign by multiple in silico algorithms, and/or has population frequency not consistent with disease.

Breakthrough Genomics
Classification: Likely benign. Review status: criteria provided, single submitter. Criteria: ACMG Guidelines, 2015. Collection method: not provided. Allele origin: germline. Inheritance: Autosomal dominant inheritance. Affected: yes.